The following is an entry in ClinVar:

ClinVar aggregate classification (germline): Pathogenic (1 of 4 stars; one submission).

Conditions:
Early-infantile DEE. Also called: Early infantile epileptic encephalopathy; Ohtahara syndrome; Early infantile epileptic encephalopathy with suppression bursts. Identifiers: Orphanet 1934, MedGen C0393706, MONDO:0800491.

Submission:

Labcorp Genetics (formerly Invitae), Labcorp
Classification: Pathogenic for Early-infantile DEE. Last evaluated: 2022-08-23. Review status: criteria provided, single submitter. Criteria: Invitae Variant Classification Sherloc (09022015). Collection method: clinical testing. Allele origin: germline.
Comment: For these reasons, this variant has been classified as Pathogenic. Advanced modeling of protein sequence and biophysical properties (such as structural, functional, and spatial information, amino acid conservation, physicochemical variation, residue mobility, and thermodynamic stability) performed at Invitae indicates that this missense variant is expected to disrupt HCN1 protein function. This missense change has been observed in individual(s) with clinical features of HCN1-related conditions (Invitae). In at least one individual the variant was observed to be de novo. This variant is not present in population databases (gnomAD no frequency). This sequence change replaces arginine, which is basic and polar, with serine, which is neutral and polar, at codon 195 of the HCN1 protein (p.Arg195Ser).

NM_021072.4(HCN1):c.585G>T (p.Arg195Ser)

Gene: HCN1 (hyperpolarization activated cyclic nucleotide gated potassium channel 1; minus strand). Cytogenetic location: 5p12.
Variant type: single nucleotide variant.
Coding change: c.585G>T on transcript NM_021072.4 (MANE Select); coding-DNA position 585, G replaced by T.
Protein change: p.Arg195Ser; replaces arginine 195 with serine.
Molecular consequence: missense variant.
Genome position (GRCh38, 1-based): chr5:45,645,449, C>A on the plus strand (G>T on the coding strand, the complement: HCN1 is on the minus strand). VCF-style: chr5-45645449-C-A. GRCh37 (hg19) VCF-style: chr5-45645551-C-A.
Other names: short protein forms R195S.
Identifiers: ClinVar variation 2128837 (VCV002128837.4), dbSNP rs2478543697, ClinGen allele CA359707581.